The following is an entry in ClinVar:

ClinVar aggregate classification (germline): Uncertain significance (1 of 4 stars; one submission).

Conditions:
Familial cold autoinflammatory syndrome 2 (FCAS2). Identifiers: Orphanet 247868, MedGen C2673198, MONDO:0012724, OMIM 611762.

Submission:

Labcorp Genetics (formerly Invitae), Labcorp
Classification: Uncertain significance for Familial cold autoinflammatory syndrome 2. Last evaluated: 2024-04-25. Review status: criteria provided, single submitter. Criteria: Invitae Variant Classification Sherloc (09022015). Collection method: clinical testing. Allele origin: germline.
Comment: This sequence change replaces threonine, which is neutral and polar, with serine, which is neutral and polar, at codon 111 of the NLRP12 protein (p.Thr111Ser). This variant is not present in population databases (gnomAD no frequency). This variant has not been reported in the literature in individuals affected with NLRP12-related conditions. An algorithm developed to predict the effect of missense changes on protein structure and function (PolyPhen-2) suggests that this variant is likely to be tolerated. In summary, the available evidence is currently insufficient to determine the role of this variant in disease. Therefore, it has been classified as a Variant of Uncertain Significance.

NM_144687.4(NLRP12):c.331A>T (p.Thr111Ser)

Gene: NLRP12 (NLR family pyrin domain containing 12; minus strand). Cytogenetic location: 19q13.42.
Variant type: single nucleotide variant.
Coding change: c.331A>T on transcript NM_144687.4 (MANE Select); coding-DNA position 331, A replaced by T.
Protein change: p.Thr111Ser; replaces threonine 111 with serine.
Molecular consequence: missense variant.
Genome position (GRCh38, 1-based): chr19:53,814,947, T>A on the plus strand (A>T on the coding strand, the complement: NLRP12 is on the minus strand). VCF-style: chr19-53814947-T-A. GRCh37 (hg19) VCF-style: chr19-54318201-T-A.
Other names: c.331A>T, p.Thr111Ser (NM_001277126.2, NM_001277129.1); short protein forms T111S.
Identifiers: ClinVar variation 3650924 (VCV003650924.2).
Genomic context (GRCh38, chr19:53,814,947, plus strand): 5'-GGTACATGGCTTGAGGCTCACCTTTTCTTGGAGTGACAAGAGAGACTTCCAGAAGGCATG[T>A]TGACTGGTTCCCAAGTGAGGACGGGCCACCAGGTGGGGTATCTGGAAGAGAAATTGTGGA-3'
Protein context (NP_653288.1, residues 101-121): GGPSSLGNQS[Thr111Ser]CLLEVSLVTP